The following is an entry in ClinVar:

NM_024675.4(PALB2):c.3066G>C (p.Met1022Ile)

Gene: PALB2 (partner and localizer of BRCA2; minus strand). Cytogenetic location: 16p12.2.
Variant type: single nucleotide variant.
Coding change: c.3066G>C on transcript NM_024675.4 (MANE Select); coding-DNA position 3066, G replaced by C.
Protein change: p.Met1022Ile; replaces methionine 1022 with isoleucine.
Molecular consequence: missense variant.
Genome position (GRCh38, 1-based): chr16:23,621,409, C>G on the plus strand (G>C on the coding strand, the complement: PALB2 is on the minus strand). VCF-style: chr16-23621409-C-G. GRCh37 (hg19) VCF-style: chr16-23632730-C-G.
Other names: short protein forms M1022I.
Identifiers: ClinVar variation 460976 (VCV000460976.15), dbSNP rs1220966608, ClinGen allele CA395142965.

ClinVar aggregate classification (germline): Uncertain significance. Review status: criteria provided, multiple submitters, no conflicts (2 of 4 stars). 2 submissions from 2 submitters: Uncertain significance (2). Last evaluated 2025-11-17.

Conditions:
Hereditary cancer-predisposing syndrome. Also called: Neoplastic Syndromes, Hereditary; Hereditary Cancer Syndrome; Hereditary neoplastic syndrome; Tumor predisposition. Identifiers: Orphanet 140162, MedGen C0027672, MeSH D009386, MONDO:0015356.
Familial cancer of breast. Also called: BREAST CANCER, FAMILIAL; Hereditary breast cancer; hereditary breast carcinoma. Identifiers: Orphanet 227535, MedGen C0346153, MONDO:0016419, OMIM 114480. Disease mechanism: loss of function.

Submissions (2):

Labcorp Genetics (formerly Invitae), Labcorp
Classification: Uncertain significance for Familial cancer of breast. Last evaluated: 2025-11-17. Review status: criteria provided, single submitter. Criteria: Invitae Variant Classification Sherloc (09022015). Collection method: clinical testing. Allele origin: germline.
Comment: This sequence change replaces methionine, which is neutral and non-polar, with isoleucine, which is neutral and non-polar, at codon 1022 of the PALB2 protein (p.Met1022Ile). This variant is not present in population databases (gnomAD no frequency). This variant has not been reported in the literature in individuals affected with PALB2-related conditions. ClinVar contains an entry for this variant (Variation ID: 460976). Invitae Evidence Modeling of protein sequence and biophysical properties (such as structural, functional, and spatial information, amino acid conservation, physicochemical variation, residue mobility, and thermodynamic stability) indicates that this missense variant is not expected to disrupt PALB2 protein function with a negative predictive value of 80%. In summary, the available evidence is currently insufficient to determine the role of this variant in disease. Therefore, it has been classified as a Variant of Uncertain Significance.

Ambry Genetics
Classification: Uncertain significance for Hereditary cancer-predisposing syndrome. Last evaluated: 2024-09-24. Review status: criteria provided, single submitter. Criteria: Ambry Variant Classification Scheme 2023. Collection method: clinical testing. Allele origin: germline.
Comment: The p.M1022I variant (also known as c.3066G>C), located in coding exon 10 of the PALB2 gene, results from a G to C substitution at nucleotide position 3066. The methionine at codon 1022 is replaced by isoleucine, an amino acid with highly similar properties. This amino acid position is poorly conserved in available vertebrate species. In addition, this alteration is predicted to be tolerated by in silico analysis. Since supporting evidence is limited at this time, the clinical significance of this alteration remains unclear.